The following is an entry in ClinVar:

NM_001916.5(CYC1):c.454-7del

Gene: CYC1 (cytochrome c1; plus strand). Cytogenetic location: 8q24.3.
Variant type: Deletion.
Coding change: c.454-7del on transcript NM_001916.5 (MANE Select); 7 bases into the intron before coding-DNA position 454, one base deleted (G; older notation c.454-7delG).
Molecular consequence: intron variant.
Genome position (GRCh38, 1-based): chr8:144,096,330, G deleted; the last of 2 consecutive G bases (chr8:144,096,329-144,096,330); deleting either gives the same sequence. VCF-style (leftmost placement, unchanged base first): chr8-144096328-CG-C. GRCh37 (hg19) VCF-style: chr8-145151231-CG-C.
Other names: c.454-7delG (NM_001916.4).
Identifiers: ClinVar variation 1573007 (VCV001573007.10), dbSNP rs745545790, ClinGen allele CA4933395.
Genomic context (GRCh38, chr8:144,096,328, plus strand): 5'-GCCTGGGACCCAGGGCTCAGGGCTCCCACTGTTGAGATGGCAGGGTTGTGATGAGGCTCT[CG>C]GTGGCAGGTGGAGGTTCAAGACGGCCCCAATGAAGATGGGGAGATGTTCATGCGGCCAGG-3'

ClinVar aggregate classification (germline): Likely benign. Review status: criteria provided, single submitter (1 of 4 stars). 2 submissions from 2 submitters: Likely benign (1). 1 of the submissions does not count toward it. Last evaluated 2025-11-12.

Conditions:
CYC1-related disorder. Also called: CYC1-related condition.

Submissions (2):

Labcorp Genetics (formerly Invitae), Labcorp
Classification: Likely benign. Last evaluated: 2025-11-12. Review status: criteria provided, single submitter. Criteria: Invitae Variant Classification Sherloc (09022015). Collection method: clinical testing. Allele origin: germline.

PreventionGenetics, part of Exact Sciences
Classification: Likely benign for CYC1-related condition. Last evaluated: 2019-04-24. Review status: no assertion criteria provided. Collection method: clinical testing. Allele origin: germline. Not counted in ClinVar's aggregate classification.
Comment: This variant is classified as likely benign based on ACMG/AMP sequence variant interpretation guidelines (Richards et al. 2015 PMID: 25741868, with internal and published modifications).